The following is an entry in ClinVar:

ClinVar aggregate classification (germline): Uncertain significance (1 of 4 stars; one submission).

Submission:

Women's Health and Genetics/Laboratory Corporation of America, LabCorp
Classification: Uncertain significance. Last evaluated: 2025-04-02. Review status: criteria provided, single submitter. Criteria: LabCorp Variant Classification Summary - May 2015. Collection method: clinical testing. Allele origin: germline.
Comment: Variant summary: ALPL c.1349G>T (p.Arg450Leu) results in a non-conservative amino acid change in the encoded protein sequence. Three of five in-silico tools predict a damaging effect of the variant on protein function. The variant was absent in 246148 control chromosomes. The available data on variant occurrences in the general population are insufficient to allow any conclusion about variant significance. To our knowledge, no occurrence of c.1349G>T in individuals affected with Hypophosphatasia and no experimental evidence demonstrating its impact on protein function have been reported. No submitters have cited clinical-significance assessments for this variant to ClinVar. Based on the evidence outlined above, the variant was classified as uncertain significance.

NM_000478.6(ALPL):c.1349G>T (p.Arg450Leu)

Gene: ALPL (alkaline phosphatase, biomineralization associated; plus strand). Cytogenetic location: 1p36.12.
Variant type: single nucleotide variant.
Coding change: c.1349G>T on transcript NM_000478.6 (MANE Select); coding-DNA position 1349, G replaced by T.
Protein change: p.Arg450Leu; replaces arginine 450 with leucine.
Molecular consequence: missense variant.
Genome position (GRCh38, 1-based): chr1:21,577,422, G>T. VCF-style: chr1-21577422-G-T. GRCh37 (hg19) VCF-style: chr1-21903915-G-T.
Other names: c.1184G>T, p.Arg395Leu (NM_001127501.4); c.1118G>T, p.Arg373Leu (NM_001177520.3); c.1349G>T, p.Arg450Leu (NM_001369803.2, NM_001369804.2, NM_001369805.2); short protein forms R373L, R395L, R450L.
Identifiers: ClinVar variation 3896561 (VCV003896561.2).